The following is an entry in ClinVar:

ClinVar aggregate classification (germline): Uncertain significance (1 of 4 stars; one submission).

Allele frequency attached by ClinVar (database versions not stated): ExAC 0.00001; gnomAD 0.00001; gnomAD exomes 0.00001; TOPMed 0.00001.
gnomAD v4.1: 19 of 1,613,842 alleles (0.0012%); highest among the groups gnomAD compares: South Asian, 0.0044%; no homozygotes.

Submission:

Labcorp Genetics (formerly Invitae), Labcorp
Classification: Uncertain significance. Last evaluated: 2024-10-22. Review status: criteria provided, single submitter. Criteria: Invitae Variant Classification Sherloc (09022015). Collection method: clinical testing. Allele origin: germline.
Comment: This sequence change replaces valine, which is neutral and non-polar, with isoleucine, which is neutral and non-polar, at codon 2763 of the PCLO protein (p.Val2763Ile). This variant is present in population databases (rs771752484, gnomAD 0.006%). This variant has not been reported in the literature in individuals affected with PCLO-related conditions. ClinVar contains an entry for this variant (Variation ID: 1442447). An algorithm developed to predict the effect of missense changes on protein structure and function outputs the following: PolyPhen-2: "Not Available". The isoleucine amino acid residue is found in multiple mammalian species, which suggests that this missense change does not adversely affect protein function. In summary, the available evidence is currently insufficient to determine the role of this variant in disease. Therefore, it has been classified as a Variant of Uncertain Significance.

NM_033026.6(PCLO):c.8287G>A (p.Val2763Ile)

Gene: PCLO (piccolo presynaptic cytomatrix protein; minus strand). Cytogenetic location: 7q21.11.
Variant type: single nucleotide variant.
Coding change: c.8287G>A on transcript NM_033026.6 (MANE Select); coding-DNA position 8287, G replaced by A.
Protein change: p.Val2763Ile; replaces valine 2763 with isoleucine.
Molecular consequence: missense variant.
Genome position (GRCh38, 1-based): chr7:82,952,666, C>T on the plus strand (G>A on the coding strand, the complement: PCLO is on the minus strand). VCF-style: chr7-82952666-C-T. GRCh37 (hg19) VCF-style: chr7-82581982-C-T.
Other names: c.8287G>A, p.Val2763Ile (NM_014510.3); short protein forms V2763I.
Identifiers: ClinVar variation 1442447 (VCV001442447.8), dbSNP rs771752484, ClinGen allele CA4320147.
Genomic context (GRCh38, chr7:82,952,666, plus strand): 5'-ATGATGTCACACTAAGATTTATAATAGAGGGTTGGACAGCACTAATTTGTTTCCCATAAA[C>T]TTCATTTGCTGTGATCTGCCTTTTCACATCCATTGTAGAAGCAGAAAGATCAATACATTT-3'
Protein context (NP_149015.2, residues 2753-2773): DVKRQITANE[Val2763Ile]YGKQISAVQP